The following is an entry in ClinVar:

NM_001360.3(DHCR7):c.1033_1042dup (p.Tyr348fs)

Gene: DHCR7 (7-dehydrocholesterol reductase; minus strand). Cytogenetic location: 11q13.4.
Variant type: Duplication.
Coding change: c.1033_1042dup on transcript NM_001360.3 (MANE Select); coding-DNA positions 1033 to 1042, 10 bases duplicated (CTGGTGGGCT; older notation c.1033_1042dupCTGGTGGGCT).
Protein change: p.Tyr348fs; shifts the reading frame from tyrosine 348.
Molecular consequence: frameshift variant. On other transcripts: 3 prime UTR variant (1), intron variant (3).
Genome position (GRCh38, 1-based): chr11:71,435,761-71,435,770, AGCCCACCAG duplicated on the plus strand (CTGGTGGGCT on the coding strand, the reverse complement: DHCR7 is on the minus strand). VCF-style (leftmost placement, unchanged base first): chr11-71435760-T-TAGCCCACCAG. GRCh37 (hg19) VCF-style: chr11-71146806-T-TAGCCCACCAG.
Other names: c.1071_1080dup, p.Thr361fs (NM_001425116.1); c.859_868dup, p.Tyr290fs (NM_001425117.1); c.*155_*164dup (NM_001425119.1); c.963+2042_963+2051dup (NM_001425120.1); c.870-580_870-571dup (NM_001425121.1); c.964-580_964-571dup (NM_001425118.1); c.1033_1042dup10 (NM_001360.2); c.1033_1042dup, p.Tyr348fs (NM_001163817.2, NM_001425109.1, NM_001425110.1 and 1 more transcripts); and 5 more; short protein forms T361fs, T393fs, Y290fs, Y316fs, Y328fs, Y348fs, Y360fs, Y365fs.
Identifiers: ClinVar variation 3345666 (VCV003345666.1).

ClinVar aggregate classification (germline): Likely pathogenic (0 of 4 stars; one submission).

Conditions:
DHCR7-related disorder. Also called: DHCR7-related condition.

Submission:

PreventionGenetics, part of Exact Sciences
Classification: Likely pathogenic for DHCR7-related condition. Last evaluated: 2024-08-30. Review status: no assertion criteria provided. Collection method: clinical testing. Allele origin: germline.
Comment: The DHCR7 c.1033_1042dup10 variant is predicted to result in a frameshift and premature protein termination (p.Tyr348Serfs*212). To our knowledge, this variant has not been reported in the literature. This variant is reported in 0.013% of alleles in individuals of African descent in gnomAD. Frameshift variants in DHCR7 are expected to be pathogenic. This variant is interpreted as likely pathogenic.